The following is an entry in ClinVar:

ClinVar aggregate classification (germline): Likely pathogenic (1 of 4 stars; one submission).

Conditions:
Fabry disease. Also called: ALPHA-GALACTOSIDASE A DEFICIENCY; ANDERSON-FABRY DISEASE; CERAMIDE TRIHEXOSIDASE DEFICIENCY; GLA DEFICIENCY; HEREDITARY DYSTOPIC LIPIDOSIS; Angiokeratoma corporis diffusum. Identifiers: Orphanet 324, MedGen C0002986, MONDO:0010526, OMIM 301500, HP:0001071. Disease mechanism: Fabry disease is due to inactivating mutations in the X-linked GLA gene resulting in deficiency of the enzyme Alpha Galactosidase-A., loss of function.

Submission:

Genomenon, Inc
Classification: Likely pathogenic for Fabry disease. Last evaluated: 2026-09-08. Review status: criteria provided, single submitter. Criteria: Genomenon Sequence Variant Interpretation Standards - Updated. Collection method: curation. Allele origin: germline. Affected: yes.
Comment: GLA p.Trp287Gly (c.859T>G) is a missense variant that changes the amino acid at codon 287 from Tryptophan to Glycine. This variant has been observed in at least one proband with clinical features consistent with Fabry disease (PMID:8875188;29661900). At least one functional study has demonstrated a substantial alteration in protein function relative to the wild-type (PMID:27657681). It is absent or not present at a significant frequency in gnomAD. In silico models predict that this variant is possibly or probably damaging. In conclusion, we classify GLA p.Trp287Gly (c.859T>G) as a likely pathogenic variant.

Literature cited by the submitters: PubMed 8875188; PubMed 29661900; PubMed 27657681.

NM_000169.3(GLA):c.859T>G (p.Trp287Gly)

Genes: GLA (galactosidase alpha; minus strand), RPL36A-HNRNPH2 (RPL36A-HNRNPH2 readthrough; plus strand). Cytogenetic location: Xq22.1.
Variant type: single nucleotide variant.
Coding change: c.859T>G on transcript NM_000169.3 (MANE Select); coding-DNA position 859, T replaced by G.
Protein change: p.Trp287Gly; replaces tryptophan 287 with glycine.
Molecular consequence: missense variant. On other transcripts: non-coding transcript variant (3), intron variant (2).
Genome position (GRCh38, 1-based): chrX:101,398,510, A>C on the plus strand (T>G on the coding strand, the complement: GLA is on the minus strand). VCF-style: chrX-101398510-A-C. GRCh37 (hg19) VCF-style: chrX-100653498-A-C.
Other names: c.982T>G, p.Trp328Gly (NM_001406747.1); c.859T>G, p.Trp287Gly (NM_001406748.1); c.300+3053A>C (NM_001199973.2); c.177+6688A>C (NM_001199974.2); short protein forms W287G, W328G.
Identifiers: ClinVar variation 4087555 (VCV004087555.2).